The following is an entry in ClinVar:

NM_003718.5(CDK13):c.1386A>C (p.Ala462=)

Gene: CDK13 (cyclin dependent kinase 13; plus strand). Cytogenetic location: 7p14.1.
Variant type: single nucleotide variant.
Coding change: c.1386A>C on transcript NM_003718.5 (MANE Select); coding-DNA position 1386, A replaced by C.
Protein change: p.Ala462=; no amino-acid change (alanine 462 retained).
Molecular consequence: synonymous variant.
Genome position (GRCh38, 1-based): chr7:39,987,773, A>C. VCF-style: chr7-39987773-A-C. GRCh37 (hg19) VCF-style: chr7-40027372-A-C.
Other names: c.1386A>C, p.Ala462= (NM_031267.4).
Identifiers: ClinVar variation 2897175 (VCV002897175.6), dbSNP rs368067040, ClinGen allele CA4228482.

ClinVar aggregate classification (germline): Likely benign. Review status: criteria provided, multiple submitters, no conflicts (2 of 4 stars). 3 submissions from 3 submitters: Likely benign (2). 1 of the submissions does not count toward it. Last evaluated 2024-05-01.

Conditions:
CDK13-related disorder. Also called: CDK13-related condition. Identifiers: MedGen C5816700.

Allele frequency attached by ClinVar (database versions not stated): ESP Exome Variant Server 0.00008.
gnomAD v4.1: 122 of 1,614,034 alleles (0.0076%); highest among the groups gnomAD compares: Non-Finnish European, 0.0093%; no homozygotes.

Submissions (3):

Labcorp Genetics (formerly Invitae), Labcorp
Classification: Likely benign. Last evaluated: 2024-05-01. Review status: criteria provided, single submitter. Criteria: Invitae Variant Classification Sherloc (09022015). Collection method: clinical testing. Allele origin: germline.

Blueprint Genetics
Classification: Likely benign. Last evaluated: 2024-02-05. Review status: criteria provided, single submitter. Criteria: ACMG Guidelines, 2015. Collection method: clinical testing. Allele origin: germline.

PreventionGenetics, part of Exact Sciences
Classification: Likely benign for CDK13-related condition. Last evaluated: 2019-04-13. Review status: no assertion criteria provided. Collection method: clinical testing. Allele origin: germline. Not counted in ClinVar's aggregate classification.
Comment: This variant is classified as likely benign based on ACMG/AMP sequence variant interpretation guidelines (Richards et al. 2015 PMID: 25741868, with internal and published modifications).